The following is an entry in ClinVar:

NM_021828.5(HPSE2):c.151dup (p.Arg51fs)

Gene: HPSE2 (heparanase 2 (inactive); minus strand). Cytogenetic location: 10q24.2.
Variant type: Duplication.
Coding change: c.151dup on transcript NM_021828.5 (MANE Select); coding-DNA position 151, one base duplicated (A; older notation c.151dupA).
Protein change: p.Arg51fs; shifts the reading frame from arginine 51.
Molecular consequence: frameshift variant.
Genome position (GRCh38, 1-based): chr10:99,235,652, T duplicated on the plus strand (A on the coding strand, the reverse complement: HPSE2 is on the minus strand). VCF-style (leftmost placement, unchanged base first): chr10-99235651-C-CT. GRCh37 (hg19) VCF-style: chr10-100995408-C-CT.
Other names: c.151dup, p.Arg51fs (NM_001166244.1, NM_001166245.1, NM_001166246.1); short protein forms R51fs.
Identifiers: ClinVar variation 3905776 (VCV003905776.10).
Genomic context (GRCh38, chr10:99,235,651, plus strand): 5'-ACTGGGTTCTTGGTGCTCACATCAAGTAGAATCAGGGTCTTTTCCTTCAAACCTGCAGCT[C>CT]TGTCTACAGGCAAGGGTCTCCTGTCTCCAGCCTGGGAGGAAAGGGAGAGATGGAGCAACA-3'

ClinVar aggregate classification (germline): Pathogenic (1 of 4 stars; one submission).

Submission:

CeGaT Center for Human Genetics Tuebingen
Classification: Pathogenic. Last evaluated: 2025-05-01. Review status: criteria provided, single submitter. Criteria: CeGaT Center For Human Genetics Tuebingen Variant Classification Criteria Version 2. Collection method: clinical testing. Allele origin: germline. Affected: yes. Observed: 3 variant alleles.
Comment: HPSE2: PVS1, PM2, PM3:Supporting